The following is an entry in ClinVar:

NM_004329.3(BMPR1A):c.560G>T (p.Arg187Leu)

Gene: BMPR1A (bone morphogenetic protein receptor type 1A; plus strand). Cytogenetic location: 10q23.2.
Variant type: single nucleotide variant.
Coding change: c.560G>T on transcript NM_004329.3 (MANE Select); coding-DNA position 560, G replaced by T.
Protein change: p.Arg187Leu; replaces arginine 187 with leucine.
Molecular consequence: missense variant.
Genome position (GRCh38, 1-based): chr10:86,912,269, G>T. VCF-style: chr10-86912269-G-T. GRCh37 (hg19) VCF-style: chr10-88672026-G-T.
Other names: short protein forms R187L.
Identifiers: ClinVar variation 1053274 (VCV001053274.9), dbSNP rs189059377, ClinGen allele CA377454363.

ClinVar aggregate classification (germline): Uncertain significance (1 of 4 stars; one submission).

Conditions:
Juvenile polyposis syndrome (JPS). Identifiers: Orphanet 2929, MedGen C0345893, MONDO:0017380, OMIM 174900.

gnomAD v4.1: 1 of 1,613,710 alleles (0.000062%); highest among the groups gnomAD compares: Non-Finnish European, 0.000085%; no homozygotes.

Submission:

Labcorp Genetics (formerly Invitae), Labcorp
Classification: Uncertain significance for Juvenile polyposis syndrome. Last evaluated: 2021-06-08. Review status: criteria provided, single submitter. Criteria: Invitae Variant Classification Sherloc (09022015). Collection method: clinical testing. Allele origin: germline.
Comment: This sequence change replaces arginine with leucine at codon 187 of the BMPR1A protein (p.Arg187Leu). The arginine residue is weakly conserved and there is a moderate physicochemical difference between arginine and leucine. This variant is not present in population databases (ExAC no frequency). This variant has not been reported in the literature in individuals with BMPR1A-related conditions. Algorithms developed to predict the effect of missense changes on protein structure and function (SIFT, PolyPhen-2, Align-GVGD) all suggest that this variant is likely to be tolerated, but these predictions have not been confirmed by published functional studies and their clinical significance is uncertain. In summary, the available evidence is currently insufficient to determine the role of this variant in disease. Therefore, it has been classified as a Variant of Uncertain Significance.